The following is an entry in ClinVar:

ClinVar aggregate classification (germline): Uncertain significance (0 of 4 stars; one submission).

Conditions:
SEMA3D-related disorder. Also called: SEMA3D-related condition.

Submission:

PreventionGenetics, part of Exact Sciences
Classification: Uncertain significance for SEMA3D-related condition. Last evaluated: 2024-05-12. Review status: no assertion criteria provided. Collection method: clinical testing. Allele origin: germline.
Comment: The SEMA3D c.2105delT variant is predicted to result in a frameshift and premature protein termination (p.Val702Alafs*10). To our knowledge, this variant has not been reported in the literature. This variant is reported in 0.00088% of alleles in individuals of European (Non-Finnish) descent in gnomAD. Loss of function has not been a well documented mechanism for SEMA3D-related disease (Human Gene Mutation Database). At this time, the clinical significance of this variant is uncertain due to the absence of conclusive functional and genetic evidence.

NM_001384900.1(SEMA3D):c.2105del (p.Val702fs)

Genes: SEMA3D (semaphorin 3D; minus strand), LOC126860094 (BRD4-independent group 4 enhancer GRCh37_chr7:84628763-84629962; plus strand). Cytogenetic location: 7q21.11.
Variant type: Deletion.
Coding change: c.2105del on transcript NM_001384900.1 (MANE Select); coding-DNA position 2105, one base deleted (T; older notation c.2105delT).
Protein change: p.Val702fs; shifts the reading frame from valine 702.
Molecular consequence: frameshift variant.
Genome position (GRCh38, 1-based): chr7:84,999,669, A deleted on the plus strand (T on the coding strand, the reverse complement: SEMA3D is on the minus strand). VCF-style (leftmost placement, unchanged base first): chr7-84999668-GA-G. GRCh37 (hg19) VCF-style: chr7-84628984-GA-G.
Other names: c.2105del, p.Val702fs (NM_001384901.1, NM_001384902.1, NM_001384903.1 and 1 more transcripts); short protein forms V702fs.
Identifiers: ClinVar variation 3356331 (VCV003356331.1).